The following is an entry in ClinVar:

ClinVar aggregate classification (germline): Uncertain significance (1 of 4 stars; one submission).

Submission:

GeneDx
Classification: Uncertain significance. Last evaluated: 2024-01-24. Review status: criteria provided, single submitter. Criteria: GeneDx Variant Classification Process June 2021. Collection method: clinical testing. Allele origin: germline. Affected: yes.
Comment: Not observed at significant frequency in large population cohorts (gnomAD); Has not been previously published as pathogenic or benign to our knowledge; Frameshift variant predicted to result in protein truncation or nonsense mediated decay in a gene for which loss-of-function is not an established mechanism of disease

NM_001376.5(DYNC1H1):c.12595del (p.Leu4199fs)

Gene: DYNC1H1 (dynein cytoplasmic 1 heavy chain 1; plus strand). Cytogenetic location: 14q32.31.
Variant type: Deletion.
Coding change: c.12595del on transcript NM_001376.5 (MANE Select); coding-DNA position 12595, one base deleted (C; older notation c.12595delC).
Protein change: p.Leu4199fs; shifts the reading frame from leucine 4199.
Molecular consequence: frameshift variant.
Genome position (GRCh38, 1-based): chr14:102,043,956, C deleted. VCF-style (leftmost placement, unchanged base first): chr14-102043955-AC-A. GRCh37 (hg19) VCF-style: chr14-102510292-AC-A.
Other names: c.12595delC, p.Leu4199Trpfs (NM_001376.4); short protein forms L4199fs.
Identifiers: ClinVar variation 3367934 (VCV003367934.1).